The following is an entry in ClinVar:

ClinVar aggregate classification (germline): Uncertain significance. Review status: criteria provided, multiple submitters, no conflicts (2 of 4 stars). 2 submissions from 2 submitters: Uncertain significance (2). Last evaluated 2024-12-02.

Conditions:
Early-infantile DEE. Also called: Early infantile epileptic encephalopathy with suppression bursts; Early infantile epileptic encephalopathy; Ohtahara syndrome. Identifiers: Orphanet 1934, MedGen C0393706, MONDO:0800491.

Submissions (2):

Labcorp Genetics (formerly Invitae), Labcorp
Classification: Uncertain significance for Early-infantile DEE. Last evaluated: 2024-12-02. Review status: criteria provided, single submitter. Criteria: Invitae Variant Classification Sherloc (09022015). Collection method: clinical testing. Allele origin: germline.
Comment: This sequence change replaces isoleucine, which is neutral and non-polar, with threonine, which is neutral and polar, at codon 1563 of the SCN8A protein (p.Ile1563Thr). This variant is not present in population databases (gnomAD no frequency). This variant has not been reported in the literature in individuals affected with SCN8A-related conditions. ClinVar contains an entry for this variant (Variation ID: 1387327). Invitae Evidence Modeling of protein sequence and biophysical properties (such as structural, functional, and spatial information, amino acid conservation, physicochemical variation, residue mobility, and thermodynamic stability) indicates that this missense variant is not expected to disrupt SCN8A protein function with a negative predictive value of 95%. In summary, the available evidence is currently insufficient to determine the role of this variant in disease. Therefore, it has been classified as a Variant of Uncertain Significance.

GeneDx
Classification: Uncertain significance. Last evaluated: 2024-07-02. Review status: criteria provided, single submitter. Criteria: GeneDx Variant Classification Process June 2021. Collection method: clinical testing. Allele origin: germline. Affected: yes.
Comment: Not observed at significant frequency in large population cohorts (gnomAD); In silico analysis supports that this missense variant has a deleterious effect on protein structure/function; This substitution is predicted to be within the transmembrane segment S2 of the fourth homologous domain; Has not been previously published as pathogenic or benign to our knowledge

NM_001330260.2(SCN8A):c.4688T>C (p.Ile1563Thr)

Gene: SCN8A (sodium voltage-gated channel alpha subunit 8; plus strand). Cytogenetic location: 12q13.13.
Variant type: single nucleotide variant.
Coding change: c.4688T>C on transcript NM_001330260.2 (MANE Select); coding-DNA position 4688, T replaced by C.
Protein change: p.Ile1563Thr; replaces isoleucine 1563 with threonine.
Molecular consequence: missense variant.
Genome position (GRCh38, 1-based): chr12:51,794,534, T>C. VCF-style: chr12-51794534-T-C. GRCh37 (hg19) VCF-style: chr12-52188318-T-C.
Other names: c.4565T>C, p.Ile1522Thr (NM_001177984.3, NM_001369788.1); c.4688T>C, p.Ile1563Thr (NM_014191.4); c.4688T>C (NM_014191.3); short protein forms I1522T, I1563T.
Identifiers: ClinVar variation 1387327 (VCV001387327.8), dbSNP rs190254722, ClinGen allele CA384879138.
Genomic context (GRCh38, chr12:51,794,534, plus strand): 5'-CAGACACTCAAAGCAAGCAGATGGAGAACATCCTCTACTGGATTAACCTGGTGTTTGTTA[T>C]CTTCTTCACCTGTGAGTGTGTGCTCAAAATGTTTGCGTTGAGGCACTACTACTTCACCAT-3'
Protein context (NP_001317189.1, residues 1553-1573): ILYWINLVFV[Ile1563Thr]FFTCECVLKM